The following is an entry in ClinVar:

ClinVar aggregate classification (germline): Uncertain significance. Review status: criteria provided, multiple submitters, no conflicts (2 of 4 stars). 2 submissions from 2 submitters: Uncertain significance (2). Last evaluated 2024-09-29.

Conditions:
Inborn genetic diseases. Identifiers: MedGen C0950123, MeSH D030342.

Allele frequency attached by ClinVar (database versions not stated): gnomAD 0.00001; TOPMed 0.00001.
gnomAD v4.1: 33 of 1,614,008 alleles (0.002%); highest among the groups gnomAD compares: Middle Eastern, 0.033%; no homozygotes.

Submissions (2):

Labcorp Genetics (formerly Invitae), Labcorp
Classification: Uncertain significance. Last evaluated: 2024-09-29. Review status: criteria provided, single submitter. Criteria: Invitae Variant Classification Sherloc (09022015). Collection method: clinical testing. Allele origin: germline.
Comment: This sequence change replaces valine, which is neutral and non-polar, with isoleucine, which is neutral and non-polar, at codon 125 of the CSF2RB protein (p.Val125Ile). This variant is present in population databases (rs146302338, gnomAD 0.02%). This variant has not been reported in the literature in individuals affected with CSF2RB-related conditions. ClinVar contains an entry for this variant (Variation ID: 1935127). Invitae Evidence Modeling of protein sequence and biophysical properties (such as structural, functional, and spatial information, amino acid conservation, physicochemical variation, residue mobility, and thermodynamic stability) indicates that this missense variant is not expected to disrupt CSF2RB protein function with a negative predictive value of 80%. In summary, the available evidence is currently insufficient to determine the role of this variant in disease. Therefore, it has been classified as a Variant of Uncertain Significance.

Ambry Genetics
Classification: Uncertain significance for Inborn genetic diseases. Last evaluated: 2024-04-24. Review status: criteria provided, single submitter. Criteria: Ambry Variant Classification Scheme 2023. Collection method: clinical testing. Allele origin: germline.

NM_000395.3(CSF2RB):c.373G>A (p.Val125Ile)

Genes: CSF2RB (colony stimulating factor 2 receptor subunit beta; plus strand), LOC126863140 (BRD4-independent group 4 enhancer GRCh37_chr22:37321546-37322745; plus strand). Cytogenetic location: 22q12.3.
Variant type: single nucleotide variant.
Coding change: c.373G>A on transcript NM_000395.3 (MANE Select); coding-DNA position 373, G replaced by A.
Protein change: p.Val125Ile; replaces valine 125 with isoleucine.
Molecular consequence: missense variant.
Genome position (GRCh38, 1-based): chr22:36,926,159, G>A. VCF-style: chr22-36926159-G-A. GRCh37 (hg19) VCF-style: chr22-37322201-G-A.
Other names: c.373G>A, p.Val125Ile (NM_001410827.1); c.373G>A (NM_000395.2); short protein forms V125I.
Identifiers: ClinVar variation 1935127 (VCV001935127.6), dbSNP rs146302338, ClinGen allele CA10213445.
Genomic context (GRCh38, chr22:36,926,159, plus strand): 5'-GTCACTGACGTTGACTACTTCTCATTCCAACCAGACAGGCCTCTGGGCACCCGGCTCACC[G>A]TCACTCTGACCCAGCATGGTGAGGGGCTGGGGGCCCTGCCCGGGGCTTGGTTTCCTGTGT-3'
Protein context (NP_000386.1, residues 115-135): PDRPLGTRLT[Val125Ile]TLTQHVQPPE